The following is an entry in ClinVar:

NM_203447.4(DOCK8):c.2464G>A (p.Glu822Lys)

Gene: DOCK8 (dedicator of cytokinesis 8; plus strand). Cytogenetic location: 9p24.3.
Variant type: single nucleotide variant.
Coding change: c.2464G>A on transcript NM_203447.4 (MANE Select); coding-DNA position 2464, G replaced by A.
Protein change: p.Glu822Lys; replaces glutamic acid 822 with lysine.
Molecular consequence: missense variant.
Genome position (GRCh38, 1-based): chr9:379,794, G>A. VCF-style: chr9-379794-G-A. GRCh37 (hg19) VCF-style: chr9-379794-G-A.
Other names: c.2260G>A, p.Glu754Lys (NM_001190458.2, NM_001193536.2); short protein forms E754K, E822K.
Identifiers: ClinVar variation 1024702 (VCV001024702.9), dbSNP rs372503899, ClinGen allele CA4958208.

ClinVar aggregate classification (germline): Uncertain significance (1 of 4 stars; one submission).

Conditions:
Combined immunodeficiency due to DOCK8 deficiency (HIES2). Also called: HYPER-IgE SYNDROME 2, AUTOSOMAL RECESSIVE, WITH RECURRENT INFECTIONS; HYPER-IgE RECURRENT INFECTION SYNDROME 2, AUTOSOMAL RECESSIVE; HIES autosomal recessive; DOCK8 Deficiency; Hyper-IgE recurrent infection syndrome, autosomal recessive. Identifiers: Orphanet 217390, MedGen C4722305, MONDO:0009478, OMIM 243700.

Allele frequency attached by ClinVar (database versions not stated): TOPMed below 0.00001; gnomAD 0.00001; ESP Exome Variant Server 0.00008.
gnomAD v4.1: 6 of 1,614,028 alleles (0.00037%); highest among the groups gnomAD compares: African/African-American, 0.0013%; no homozygotes.

Submission:

Labcorp Genetics (formerly Invitae), Labcorp
Classification: Uncertain significance for Combined immunodeficiency due to DOCK8 deficiency. Last evaluated: 2020-10-07. Review status: criteria provided, single submitter. Criteria: Invitae Variant Classification Sherloc (09022015). Collection method: clinical testing. Allele origin: germline.
Comment: This sequence change replaces glutamic acid with lysine at codon 822 of the DOCK8 protein (p.Glu822Lys). The glutamic acid residue is highly conserved and there is a small physicochemical difference between glutamic acid and lysine. This variant is present in population databases (rs372503899, ExAC 0.001%). This variant has not been reported in the literature in individuals with DOCK8-related conditions. Algorithms developed to predict the effect of missense changes on protein structure and function (SIFT, PolyPhen-2, Align-GVGD) all suggest that this variant is likely to be disruptive, but these predictions have not been confirmed by published functional studies and their clinical significance is uncertain. In summary, the available evidence is currently insufficient to determine the role of this variant in disease. Therefore, it has been classified as a Variant of Uncertain Significance.